The following is an entry in ClinVar:

ClinVar aggregate classification (germline): Uncertain significance (1 of 4 stars; one submission).

Conditions:
Long QT syndrome (LQTS). Identifiers: MedGen C0023976, MeSH D008133, MONDO:0002442. Disease mechanism: loss of function. Inheritance: Various modes of inheritance.

gnomAD v4.1: 1 of 1,605,506 alleles (0.000062%); no homozygotes.

Submission:

All of Us Research Program, National Institutes of Health
Classification: Uncertain significance for Long QT syndrome. Last evaluated: 2023-06-26. Review status: criteria provided, single submitter. Criteria: ACMG Guidelines, 2015. Collection method: clinical testing. Allele origin: germline. Inheritance: Autosomal dominant inheritance. Observed: 1 variant allele, 1 heterozygote.
Comment: This missense variant replaces glutamic acid with aspartic acid at codon 91 of the KCNH2 protein. Computational prediction is inconclusive regarding the impact of this variant on protein structure and function (internally defined REVEL score threshold 0.5 < inconclusive < 0.7, PMID: 27666373). To our knowledge, functional studies have not been reported for this variant. This variant has not been reported in individuals affected with KCNH2-related disorders in the literature. This variant has not been identified in the general population by the Genome Aggregation Database (gnomAD). The available evidence is insufficient to determine the role of this variant in disease conclusively. Therefore, this variant is classified as a Variant of Uncertain Significance.

This study involves interpretation of variants in research participants for the purpose of population health screening. Participant phenotype was not available at the time of variant classification. Additional details can be found in publication PMID: 35346344, PMCID: PMC8962531

NM_000238.4(KCNH2):c.273G>C (p.Glu91Asp)

Gene: KCNH2 (potassium voltage-gated channel subfamily H member 2; minus strand). Cytogenetic location: 7q36.1.
Variant type: single nucleotide variant.
Coding change: c.273G>C on transcript NM_000238.4 (MANE Select); coding-DNA position 273, G replaced by C.
Protein change: p.Glu91Asp; replaces glutamic acid 91 with aspartic acid.
Molecular consequence: missense variant. On other transcripts: non-coding transcript variant (1).
Genome position (GRCh38, 1-based): chr7:150,974,745, C>G on the plus strand (G>C on the coding strand, the complement: KCNH2 is on the minus strand). VCF-style: chr7-150974745-C-G. GRCh37 (hg19) VCF-style: chr7-150671833-C-G.
Other names: c.96G>C, p.Glu32Asp (NM_001406755.1); c.273G>C, p.Glu91Asp (NM_172056.3); short protein forms E32D, E91D.
Identifiers: ClinVar variation 3072031 (VCV003072031.1), dbSNP rs1433772415, ClinGen allele CA369865388.
Genomic context (GRCh38, chr7:150,974,745, plus strand): 5'-GTGGCCCCGCCCCGGCCCGCTCCTACCATCTTTCCGGTAGAAGGCGATTTCCACTTTGCG[C>G]TCCTCGGCGCCCAGCAGTGCCTGCGCGATCTGCGCGGCAGCGCGGCGCTGCGTGCGCGGC-3'
Protein context (NP_000229.1, residues 81-101): QIAQALLGAE[Glu91Asp]RKVEIAFYRK